The following is an entry in ClinVar:

ClinVar aggregate classification (germline): Uncertain significance (1 of 4 stars; one submission).

Submission:

Labcorp Genetics (formerly Invitae), Labcorp
Classification: Uncertain significance. Last evaluated: 2025-10-22. Review status: criteria provided, single submitter. Criteria: Invitae Variant Classification Sherloc (09022015). Collection method: clinical testing. Allele origin: germline.
Comment: This sequence change replaces aspartic acid, which is acidic and polar, with glutamic acid, which is acidic and polar, at codon 359 of the NLRP1 protein (p.Asp359Glu). This variant is not present in population databases (gnomAD no frequency). This variant has not been reported in the literature in individuals affected with NLRP1-related conditions. ClinVar contains an entry for this variant (Variation ID: 2760026). An algorithm developed to predict the effect of missense changes on protein structure and function outputs the following: PolyPhen-2: "Benign". The glutamic acid amino acid residue is found in multiple mammalian species, which suggests that this missense change does not adversely affect protein function. In summary, the available evidence is currently insufficient to determine the role of this variant in disease. Therefore, it has been classified as a Variant of Uncertain Significance.

NM_033004.4(NLRP1):c.1077C>A (p.Asp359Glu)

Gene: NLRP1 (NLR family pyrin domain containing 1; minus strand). Cytogenetic location: 17p13.2.
Variant type: single nucleotide variant.
Coding change: c.1077C>A on transcript NM_033004.4 (MANE Select); coding-DNA position 1077, C replaced by A.
Protein change: p.Asp359Glu; replaces aspartic acid 359 with glutamic acid.
Molecular consequence: missense variant.
Genome position (GRCh38, 1-based): chr17:5,559,619, G>T on the plus strand (C>A on the coding strand, the complement: NLRP1 is on the minus strand). VCF-style: chr17-5559619-G-T. GRCh37 (hg19) VCF-style: chr17-5462939-G-T.
Other names: c.1077C>A, p.Asp359Glu (NM_001033053.3, NM_014922.5, NM_033006.4 and 1 more transcripts); short protein forms D359E.
Identifiers: ClinVar variation 2760026 (VCV002760026.3), dbSNP rs2507941188, ClinGen allele CA397387055.
Genomic context (GRCh38, chr17:5,559,619, plus strand): 5'-ACTCACCACCTTGGACTGGGCCAGCTCTCTGCAGCTGAAGTAGAAGACATGCTGGAAGCG[G>T]TCCCCATACAGCTGGCCTCTCCCCCAGGCTTCCTTCACCTGCCTGGCCAGTGTTGACTTC-3'
Protein context (NP_127497.1, residues 349-369): EAWGRGQLYG[Asp359Glu]RFQHVFYFSC